The following is an entry in ClinVar:

ClinVar aggregate classification (germline): Likely benign. Review status: criteria provided, multiple submitters, no conflicts (2 of 4 stars). 5 submissions from 5 submitters: Likely benign (4). 1 of the submissions does not count toward it. Last evaluated 2026-04-01.

Conditions:
GEMIN4-related disorder. Also called: GEMIN4-related condition.

Allele frequency attached by ClinVar (database versions not stated): 1000 Genomes Project 30x 0.00172; 1000 Genomes Project 0.00200; TOPMed 0.00230; gnomAD exomes 0.00263 and 0.00421; ExAC 0.00277; gnomAD 0.00370; ESP Exome Variant Server 0.00390.
gnomAD v4.1: 6,542 of 1,613,896 alleles (0.41%); highest among the groups gnomAD compares: Non-Finnish European, 0.49%; 30 homozygotes.

Submissions (5):

CeGaT Center for Human Genetics Tuebingen
Classification: Likely benign. Last evaluated: 2026-04-01. Review status: criteria provided, single submitter. Criteria: CeGaT Center For Human Genetics Tuebingen Variant Classification Criteria Version 2. Collection method: clinical testing. Allele origin: germline. Affected: yes. Observed: 18 variant alleles.
Comment: GEMIN4: BP4, BS2

Blueprint Genetics
Classification: Likely benign. Last evaluated: 2024-11-25. Review status: criteria provided, single submitter. Criteria: ACMG Guidelines, 2015. Collection method: clinical testing. Allele origin: germline.

Labcorp Genetics (formerly Invitae), Labcorp
Classification: Likely benign. Last evaluated: 2019-12-31. Review status: criteria provided, single submitter. Criteria: Invitae Variant Classification Sherloc (09022015). Collection method: clinical testing. Allele origin: germline.

Breakthrough Genomics
Classification: Likely benign. Review status: criteria provided, single submitter. Criteria: ACMG Guidelines, 2015. Collection method: not provided. Allele origin: germline. Inheritance: Autosomal recessive inheritance. Affected: yes.

PreventionGenetics, part of Exact Sciences
Classification: Likely benign for GEMIN4-related condition. Last evaluated: 2022-03-07. Review status: no assertion criteria provided. Collection method: clinical testing. Allele origin: germline. Not counted in ClinVar's aggregate classification.
Comment: This variant is classified as likely benign based on ACMG/AMP sequence variant interpretation guidelines (Richards et al. 2015 PMID: 25741868, with internal and published modifications).

NM_015721.3(GEMIN4):c.139G>A (p.Val47Met)

Gene: GEMIN4 (gem nuclear organelle associated protein 4; minus strand). Cytogenetic location: 17p13.3.
Variant type: single nucleotide variant.
Coding change: c.139G>A on transcript NM_015721.3 (MANE Select); coding-DNA position 139, G replaced by A.
Protein change: p.Val47Met; replaces valine 47 with methionine.
Molecular consequence: missense variant.
Genome position (GRCh38, 1-based): chr17:747,904, C>T on the plus strand (G>A on the coding strand, the complement: GEMIN4 is on the minus strand). VCF-style: chr17-747904-C-T. GRCh37 (hg19) VCF-style: chr17-651144-C-T.
Other names: short protein forms V47M.
Identifiers: ClinVar variation 720843 (VCV000720843.41), dbSNP rs138673289, ClinGen allele CA8262953.